The following is an entry in ClinVar:

NM_000059.4(BRCA2):c.2705C>T (p.Ala902Val)

Gene: BRCA2 (BRCA2 DNA repair associated; plus strand). Cytogenetic location: 13q13.1.
Variant type: single nucleotide variant.
Coding change: c.2705C>T on transcript NM_000059.4 (MANE Select); coding-DNA position 2705, C replaced by T.
Protein change: p.Ala902Val; replaces alanine 902 with valine.
Molecular consequence: missense variant.
Genome position (GRCh38, 1-based): chr13:32,337,060, C>T. VCF-style: chr13-32337060-C-T. GRCh37 (hg19) VCF-style: chr13-32911197-C-T.
Other names: short protein forms A902V.
Identifiers: ClinVar variation 922464 (VCV000922464.16), dbSNP rs749258007, ClinGen allele CA247502841.

ClinVar aggregate classification (germline): Conflicting classifications of pathogenicity. Review status: criteria provided, conflicting classifications (1 of 4 stars). 7 submissions from 7 submitters: Uncertain significance (5); Likely benign (2). Last evaluated 2026-07-01.

Conditions:
Hereditary breast ovarian cancer syndrome. Also called: Hereditary breast and ovarian cancer syndrome (HBOC); Hereditary breast and/or ovarian cancer syndrome; Breast and ovarian cancer; Hereditary breast and ovarian cancer syndrome; Hereditary breast and ovarian cancer; BRCA1- and BRCA2-Associated Hereditary Breast and Ovarian Cancer. Identifiers: Orphanet 145, MedGen C0677776, MeSH D061325, MONDO:0003582. Disease mechanism: loss of function.
Hereditary cancer-predisposing syndrome. Also called: Hereditary Cancer Syndrome; Neoplastic Syndromes, Hereditary; Tumor predisposition; Hereditary neoplastic syndrome. Identifiers: Orphanet 140162, MedGen C0027672, MeSH D009386, MONDO:0015356.

Allele frequency attached by ClinVar (database versions not stated): gnomAD exomes below 0.00001; TOPMed below 0.00001.
gnomAD v4.1: 4 of 1,605,758 alleles (0.00025%); highest among the groups gnomAD compares: Non-Finnish European, 0.00034%; no homozygotes.

Submissions (7):

CeGaT Center for Human Genetics Tuebingen
Classification: Uncertain significance. Last evaluated: 2026-07-01. Review status: criteria provided, single submitter. Criteria: CeGaT Center For Human Genetics Tuebingen Variant Classification Criteria Version 2. Collection method: clinical testing. Allele origin: germline. Affected: yes. Observed: 1 variant allele.
Comment: BRCA2: PM2, BP4

Labcorp Genetics (formerly Invitae), Labcorp
Classification: Uncertain significance for Hereditary breast ovarian cancer syndrome. Last evaluated: 2024-12-06. Review status: criteria provided, single submitter. Criteria: Invitae Variant Classification Sherloc (09022015). Collection method: clinical testing. Allele origin: germline.
Comment: This sequence change replaces alanine, which is neutral and non-polar, with valine, which is neutral and non-polar, at codon 902 of the BRCA2 protein (p.Ala902Val). This variant is not present in population databases (gnomAD no frequency). This variant has not been reported in the literature in individuals affected with BRCA2-related conditions. ClinVar contains an entry for this variant (Variation ID: 922464). Invitae Evidence Modeling of protein sequence and biophysical properties (such as structural, functional, and spatial information, amino acid conservation, physicochemical variation, residue mobility, and thermodynamic stability) indicates that this missense variant is not expected to disrupt BRCA2 protein function with a negative predictive value of 95%. In summary, the available evidence is currently insufficient to determine the role of this variant in disease. Therefore, it has been classified as a Variant of Uncertain Significance.

Color Diagnostics, LLC DBA Color Health
Classification: Uncertain significance for Hereditary cancer-predisposing syndrome. Last evaluated: 2024-04-29. Review status: criteria provided, single submitter. Criteria: ACMG Guidelines, 2015. Collection method: clinical testing. Allele origin: germline.
Comment: This missense variant replaces alanine with valine at codon 902 of the BRCA2 protein. Computational prediction suggests that this variant may not impact protein structure and function. To our knowledge, functional studies have not been reported for this variant. This variant has been reported in individuals affected with prostate or breast cancer, and in unaffected individuals (PMID: 21952622, 33471991; Leiden Open Variation Database DB-ID BRCA2_001401). This variant has not been identified in the general population by the Genome Aggregation Database (gnomAD). The available evidence is insufficient to determine the role of this variant in disease conclusively. Therefore, this variant is classified as a Variant of Uncertain Significance.

Women's Health and Genetics/Laboratory Corporation of America, LabCorp
Classification: Uncertain significance. Last evaluated: 2023-11-24. Review status: criteria provided, single submitter. Criteria: LabCorp Variant Classification Summary - May 2015. Collection method: clinical testing. Allele origin: germline.
Comment: Variant summary: BRCA2 c.2705C>T (p.Ala902Val) results in a non-conservative amino acid change in the encoded protein sequence. Four of five in-silico tools predict a benign effect of the variant on protein function. The variant was absent in 242542 control chromosomes (gnomAD). The available data on variant occurrences in the general population are insufficient to allow any conclusion about variant significance. c.2705C>T has been reported in the literature in individuals affected with breast cancer or prostate cancer as well as unaffected controls (Kote-Jarai_2011, Dorling_2021). These reports do not provide unequivocal conclusions about association of the variant with Hereditary Breast And Ovarian Cancer Syndrome. To our knowledge, no experimental evidence demonstrating an impact on protein function has been reported. The following publications have been ascertained in the context of this evaluation (PMID: 33471991, 21952622).. Four submitters have cited clinical-significance assessments for this variant to ClinVar after 2014, and classified it as uncertain significance (n=2) or likely benign (n=2). Based on the evidence outlined above, the variant was classified as uncertain significance.

University of Washington Department of Laboratory Medicine, University of Washington
Classification: Likely benign for Hereditary cancer-predisposing syndrome. Last evaluated: 2023-03-23. Review status: criteria provided, single submitter. Criteria: Dines et al. (Genet Med. 2020). Collection method: curation. Allele origin: germline.
Comment: Missense variant in a coldspot region where missense variants are very unlikely to be pathogenic (PMID:31911673).

BRCA2 exon 11 coldspot. Reclassification based on statistical prior probability.

Ambry Genetics
Classification: Likely benign for Hereditary cancer-predisposing syndrome. Last evaluated: 2021-09-07. Review status: criteria provided, single submitter. Criteria: Ambry Variant Classification Scheme 2023. Collection method: clinical testing. Allele origin: germline.

Blueprint Genetics
Classification: Uncertain significance. Last evaluated: 2021-01-08. Review status: criteria provided, single submitter. Criteria: ACMG Guidelines, 2015. Collection method: clinical testing. Allele origin: germline.

Literature cited by the submitters: PubMed 21952622 (cited by 3 submitters); PubMed 33471991 (cited by Color Diagnostics, LLC DBA Color Health and Women's Health and Genetics/Laboratory Corporation of America, LabCorp).